The following is an entry in ClinVar:

ClinVar aggregate classification (germline): Likely pathogenic (1 of 4 stars; one submission).

Conditions:
Dilated cardiomyopathy 1G (CMD1G). Identifiers: Orphanet 154, MedGen C1858763, MONDO:0011400, OMIM 604145.
Autosomal recessive limb-girdle muscular dystrophy type 2J (LGMDR10). Also called: Limb-girdle muscular dystrophy, type 2J; MUSCULAR DYSTROPHY, LIMB-GIRDLE, AUTOSOMAL RECESSIVE 10. Identifiers: Orphanet 140922, MedGen C1837342, MONDO:0012127, OMIM 608807.

Submission:

Labcorp Genetics (formerly Invitae), Labcorp
Classification: Likely pathogenic for Dilated cardiomyopathy 1G; Autosomal recessive limb-girdle muscular dystrophy type 2J. Last evaluated: 2024-10-01. Review status: criteria provided, single submitter. Criteria: Invitae Variant Classification Sherloc (09022015). Collection method: clinical testing. Allele origin: germline.
Comment: This sequence change creates a premature translational stop signal (p.Ala25791Glyfs*3) in the TTN gene. While this is not anticipated to result in nonsense mediated decay, it is expected to create a truncated TTN protein. This variant is not present in population databases (gnomAD no frequency). This variant has not been reported in the literature in individuals affected with TTN-related conditions. This variant is located in the A band of TTN (PMID: 25589632). Truncating variants in this region are significantly overrepresented in patients affected with dilated cardiomyopathy (PMID: 25589632). Truncating variants in this region have also been reported in individuals affected with autosomal recessive centronuclear myopathy (PMID: 23975875). In summary, the currently available evidence indicates that the variant is pathogenic, but additional data are needed to prove that conclusively. Therefore, this variant has been classified as Likely Pathogenic.

Literature cited by the submitters: PubMed 25589632; PubMed 23975875.

NM_001267550.2(TTN):c.77372_77382del (p.Ala25791fs)

Genes: TTN-AS1 (TTN antisense RNA 1; plus strand), TTN (titin; minus strand). Cytogenetic location: 2q31.2.
Variant type: Deletion.
Coding change: c.77372_77382del on transcript NM_001267550.2 (MANE Select); coding-DNA positions 77372 to 77382, 11 bases deleted (CCAAAGATCTG).
Protein change: p.Ala25791fs; shifts the reading frame from alanine 25791.
Molecular consequence: frameshift variant.
Genome position (GRCh38, 1-based): chr2:178,568,750-178,568,760, CAGATCTTTGG deleted on the plus strand (CCAAAGATCTG on the coding strand, the reverse complement: TTN is on the minus strand); deleting any 11 consecutive bases within chr2:178,568,750-178,568,762 gives the same sequence; the c. name uses the placement nearest the transcript's 3' end. VCF-style (leftmost placement, unchanged base first): chr2-178568749-CCAGATCTTTGG-C. GRCh37 (hg19) VCF-style: chr2-179433476-CCAGATCTTTGG-C.
Other names: c.72449_72459del, p.Ala24150fs (NM_001256850.1); c.50177_50187del, p.Ala16726fs (NM_003319.4); c.69668_69678del, p.Ala23223fs (NM_133378.4); c.50552_50562del, p.Ala16851fs (NM_133432.3); c.50753_50763del, p.Ala16918fs (NM_133437.4); short protein forms A16726fs, A16851fs, A16918fs, A23223fs, A24150fs, A25791fs.
Identifiers: ClinVar variation 3759184 (VCV003759184.2).
Genomic context (GRCh38, chr2:178,568,749, plus strand): 5'-AATCTTGGCCAACCTGTACACTGTAACTACTGAATGCAGGTTTTACATCTGGCTCAATTA[CCAGATCTTTGG>C]CAACTATTGGAACTGCAAGGGACCGAGGATCACTTCTCCCCTTTTCATTTACAGCAACAA-3'